The following is an entry in ClinVar:

NM_000465.4(BARD1):c.235A>T (p.Ile79Phe)

Gene: BARD1 (BRCA1 associated RING domain 1; minus strand). Cytogenetic location: 2q35.
Variant type: single nucleotide variant.
Coding change: c.235A>T on transcript NM_000465.4 (MANE Select); coding-DNA position 235, A replaced by T.
Protein change: p.Ile79Phe; replaces isoleucine 79 with phenylalanine.
Molecular consequence: missense variant. On other transcripts: non-coding transcript variant (1), intron variant (2).
Genome position (GRCh38, 1-based): chr2:214,792,426, T>A on the plus strand (A>T on the coding strand, the complement: BARD1 is on the minus strand). VCF-style: chr2-214792426-T-A. GRCh37 (hg19) VCF-style: chr2-215657150-T-A.
Other names: c.178A>T, p.Ile60Phe (NM_001282543.2); c.235A>T, p.Ile79Phe (NM_001282549.2); c.158+16986A>T (NM_001282548.2); c.215+4635A>T (NM_001282545.2); short protein forms I60F, I79F.
Identifiers: ClinVar variation 1790125 (VCV001790125.2), dbSNP rs1436521124, ClinGen allele CA350461274.

ClinVar aggregate classification (germline): Uncertain significance (1 of 4 stars; one submission).

Conditions:
Hereditary cancer-predisposing syndrome. Also called: Hereditary Cancer Syndrome; Hereditary neoplastic syndrome; Tumor predisposition; Neoplastic Syndromes, Hereditary. Identifiers: Orphanet 140162, MedGen C0027672, MeSH D009386, MONDO:0015356.

Submission:

Ambry Genetics
Classification: Uncertain significance for Hereditary cancer-predisposing syndrome. Last evaluated: 2020-01-30. Review status: criteria provided, single submitter. Criteria: Ambry Variant Classification Scheme 2023. Collection method: clinical testing. Allele origin: germline.
Comment: The p.I79F variant (also known as c.235A>T), located in coding exon 3 of the BARD1 gene, results from an A to T substitution at nucleotide position 235. The isoleucine at codon 79 is replaced by phenylalanine, an amino acid with highly similar properties. This amino acid position is not well conserved in available vertebrate species. In addition, this alteration is predicted to be tolerated by in silico analysis. Since supporting evidence is limited at this time, the clinical significance of this alteration remains unclear.